The following is an entry in ClinVar:

ClinVar aggregate classification (germline): Uncertain significance (1 of 4 stars; one submission).

Conditions:
Hereditary persistence of fetal hemoglobin. Identifiers: MedGen C0019025, MONDO:0020989, OMIM 141749.

Submission:

ARUP Laboratories, Molecular Genetics and Genomics, ARUP Laboratories
Classification: Uncertain significance for Hereditary persistence of fetal hemoglobin. Last evaluated: 2022-02-07. Review status: criteria provided, single submitter. Criteria: ARUP Molecular Germline Variant Investigation Process 2021. Collection method: clinical testing. Allele origin: germline.
Comment: The HBG1 c.14C>G; p.Thr5Arg variant, also known as Thr4Arg when numbered from the mature protein, to our knowledge, is not reported in the medical literature or gene specific databases. This variant is also absent from the Genome Aggregation Database, indicating it is not a common polymorphism. The threonine at codon 5 is highly conserved, and computational analyses are uncertain whether this variant is neutral or deleterious (REVEL: 0.400). Due to limited information, the clinical significance of this variant is uncertain at this time.

NM_000559.3(HBG1):c.14C>G (p.Thr5Arg)

Genes: HBG1 (hemoglobin subunit gamma 1; minus strand), LOC106099064 (HBG1 recombination region; plus strand). Cytogenetic location: 11p15.4.
Variant type: single nucleotide variant.
Coding change: c.14C>G on transcript NM_000559.3 (MANE Select); coding-DNA position 14, C replaced by G.
Protein change: p.Thr5Arg; replaces threonine 5 with arginine.
Molecular consequence: missense variant.
Genome position (GRCh38, 1-based): chr11:5,249,791, G>C on the plus strand (C>G on the coding strand, the complement: HBG1 is on the minus strand). VCF-style: chr11-5249791-G-C. GRCh37 (hg19) VCF-style: chr11-5271021-G-C.
Other names: short protein forms T5R.
Identifiers: ClinVar variation 1679501 (VCV001679501.7), dbSNP rs2133609307, ClinGen allele CA379263291.